The following is an entry in ClinVar:

ClinVar aggregate classification (germline): Likely benign. Review status: criteria provided, multiple submitters, no conflicts (2 of 4 stars). 4 submissions from 4 submitters: Likely benign (3). 1 of the submissions does not count toward it. Last evaluated 2025-07-22.

Conditions:
Hereditary breast ovarian cancer syndrome. Also called: Hereditary breast and ovarian cancer syndrome (HBOC); Breast and ovarian cancer; BRCA1- and BRCA2-Associated Hereditary Breast and Ovarian Cancer; Hereditary breast and/or ovarian cancer syndrome; Hereditary breast and ovarian cancer; Hereditary breast and ovarian cancer syndrome. Identifiers: Orphanet 145, MedGen C0677776, MeSH D061325, MONDO:0003582. Disease mechanism: loss of function.
Malignant tumor of breast. Also called: Malignant breast neoplasm; Cancer breast. Identifiers: MedGen C0006142, MONDO:0007254. Disease mechanism: loss of function.

Allele frequency attached by ClinVar (database versions not stated): gnomAD exomes below 0.00001; TOPMed below 0.00001; gnomAD 0.00001.
gnomAD v4.1: 3 of 1,613,638 alleles (0.00019%); highest among the groups gnomAD compares: Admixed American, 0.0033%; no homozygotes.

Submissions (4):

Labcorp Genetics (formerly Invitae), Labcorp
Classification: Likely benign for Hereditary breast ovarian cancer syndrome. Last evaluated: 2025-07-22. Review status: criteria provided, single submitter. Criteria: Invitae Variant Classification Sherloc (09022015). Collection method: clinical testing. Allele origin: germline.

Women's Health and Genetics/Laboratory Corporation of America, LabCorp
Classification: Likely benign. Last evaluated: 2025-07-14. Review status: criteria provided, single submitter. Criteria: LabCorp Variant Classification Summary - May 2015. Collection method: clinical testing. Allele origin: germline.
Comment: Variant summary: BRCA2 c.9501+16A>C alters a nucleotide located at a position not widely known to affect splicing. Consensus agreement among computation tools predict no significant impact on normal splicing. However, these predictions have yet to be confirmed by functional studies. The variant was absent in 250880 control chromosomes. The available data on variant occurrences in the general population are insufficient to allow any conclusion about variant significance. c.9501+16A>C has been observed in at least one individual with a personal or family history of breast and/or ovarian cancer, without strong evidence of causality (e.g. Herzog_2021). This report does not provide unequivocal conclusions about association of the variant with Hereditary Breast And Ovarian Cancer Syndrome. To our knowledge, no experimental evidence demonstrating an impact on protein function has been reported. The following publication has been ascertained in the context of this evaluation (PMID: 34413315). ClinVar contains an entry for this variant (Variation ID: 433841). Based on the evidence outlined above, the variant was classified as likely benign.

GeneDx
Classification: Likely benign. Last evaluated: 2017-10-05. Review status: criteria provided, single submitter. Criteria: GeneDx Variant Classification (06012015). Collection method: clinical testing. Allele origin: germline. Affected: yes.
Comment: This variant is considered likely benign or benign based on one or more of the following criteria: it is a conservative change, it occurs at a poorly conserved position in the protein, it is predicted to be benign by multiple in silico algorithms, and/or has population frequency not consistent with disease.

Department of Pathology and Laboratory Medicine, Sinai Health System
Classification: Likely benign for Malignant tumor of breast. Review status: no assertion criteria provided. Collection method: clinical testing. Allele origin: unknown. Affected: yes. Study: The Canadian Open Genetics Repository (COGR). Not counted in ClinVar's aggregate classification.
Comment: The BRCA2 c.9501+16A>C variant was not identified in the literature, nor was it identified in the dbSNP, NHLBI Exome Sequencing Project (Exome Variant Server), Exome Aggregation Consortium (ExAC), HGMD, LOVD, COSMIC, ClinVar, GeneInsight VariantWire, BIC or UMD. The variant occurs outside of the splicing consensus sequence and in silico or computational prediction software programs (SpliceSiteFinder, MaxEntScan, NNSPLICE, GeneSplicer, HumanSpliceFinder) do not predict the abolishment of the consensus splice site, although HumanSpliceFinder and MaxEntScan predicts an altered splice site in this region and we cannot eliminate the possibility that an exon splice enhancer was modified and may lead to abnormal splicing or creation of a cryptic splice site. In summary, based on the above information, the clinical significance of this variant cannot be determined with certainty at this time although we would lean towards a more benign role for this variant. This variant is classified as predicted benign.

Literature cited by the submitters: PubMed 34413315 (cited by Women's Health and Genetics/Laboratory Corporation of America, LabCorp).

NM_000059.4(BRCA2):c.9501+16A>C

Gene: BRCA2 (BRCA2 DNA repair associated; plus strand). Cytogenetic location: 13q13.1.
Variant type: single nucleotide variant.
Coding change: c.9501+16A>C on transcript NM_000059.4 (MANE Select); 16 bases into the intron after coding-DNA position 9501, A replaced by C.
Molecular consequence: intron variant.
Genome position (GRCh38, 1-based): chr13:32,394,949, A>C. VCF-style: chr13-32394949-A-C. GRCh37 (hg19) VCF-style: chr13-32969086-A-C.
Identifiers: ClinVar variation 433841 (VCV000433841.16), dbSNP rs1555289626, ClinGen allele CA645372970.